The following is an entry in ClinVar:

ClinVar aggregate classification (germline): Uncertain significance (1 of 4 stars; one submission).

Submission:

Labcorp Genetics (formerly Invitae), Labcorp
Classification: Uncertain significance. Last evaluated: 2025-12-23. Review status: criteria provided, single submitter. Criteria: Invitae Variant Classification Sherloc (09022015). Collection method: clinical testing. Allele origin: germline.
Comment: This sequence change replaces phenylalanine, which is neutral and non-polar, with leucine, which is neutral and non-polar, at codon 137 of the CTR9 protein (p.Phe137Leu). This variant is not present in population databases (gnomAD no frequency). This variant has not been reported in the literature in individuals affected with CTR9-related conditions. An algorithm developed to predict the effect of missense changes on protein structure and function (PolyPhen-2) suggests that this variant is likely to be tolerated. In summary, the available evidence is currently insufficient to determine the role of this variant in disease. Therefore, it has been classified as a Variant of Uncertain Significance.

NM_014633.5(CTR9):c.409T>C (p.Phe137Leu)

Gene: CTR9 (CTR9 component of Paf1/RNA polymerase II complex; plus strand). Cytogenetic location: 11p15.4.
Variant type: single nucleotide variant.
Coding change: c.409T>C on transcript NM_014633.5 (MANE Select); coding-DNA position 409, T replaced by C.
Protein change: p.Phe137Leu; replaces phenylalanine 137 with leucine.
Molecular consequence: missense variant.
Genome position (GRCh38, 1-based): chr11:10,755,702, T>C. VCF-style: chr11-10755702-T-C. GRCh37 (hg19) VCF-style: chr11-10777249-T-C.
Other names: c.409T>C, p.Phe137Leu (NM_001346279.2); short protein forms F137L.
Identifiers: ClinVar variation 4734044 (VCV004734044.1).